The following is an entry in ClinVar:

NM_032119.4(ADGRV1):c.15293A>C (p.Glu5098Ala)

Gene: ADGRV1 (adhesion G protein-coupled receptor V1; plus strand). Cytogenetic location: 5q14.3.
Variant type: single nucleotide variant.
Coding change: c.15293A>C on transcript NM_032119.4 (MANE Select); coding-DNA position 15293, A replaced by C.
Protein change: p.Glu5098Ala; replaces glutamic acid 5098 with alanine.
Molecular consequence: missense variant. On other transcripts: non-coding transcript variant (1).
Genome position (GRCh38, 1-based): chr5:90,810,553, A>C. VCF-style: chr5-90810553-A-C. GRCh37 (hg19) VCF-style: chr5-90106370-A-C.
Other names: short protein forms E5098A.
Identifiers: ClinVar variation 1810556 (VCV001810556.5), dbSNP rs749667453, ClinGen allele CA3341890.

ClinVar aggregate classification (germline): Conflicting classifications of pathogenicity. Review status: criteria provided, conflicting classifications (1 of 4 stars). 2 submissions from 2 submitters: Uncertain significance (1); Likely benign (1). Last evaluated 2026-01-14.

Allele frequency attached by ClinVar (database versions not stated): ExAC 0.00001.
gnomAD v4.1: 28 of 1,613,910 alleles (0.0017%); highest among the groups gnomAD compares: East Asian, 0.062%; no homozygotes.

Submissions (2):

Labcorp Genetics (formerly Invitae), Labcorp
Classification: Likely benign. Last evaluated: 2026-01-14. Review status: criteria provided, single submitter. Criteria: Invitae Variant Classification Sherloc (09022015). Collection method: clinical testing. Allele origin: germline.

GeneDx
Classification: Uncertain significance. Last evaluated: 2022-07-05. Review status: criteria provided, single submitter. Criteria: GeneDx Variant Classification Process June 2021. Collection method: clinical testing. Allele origin: germline. Affected: yes.
Comment: Not observed at significant frequency in large population cohorts (gnomAD); In silico analysis supports that this missense variant has a deleterious effect on protein structure/function; Has not been previously published as pathogenic or benign to our knowledge